The following is an entry in ClinVar:

ClinVar aggregate classification (germline): Benign. Review status: criteria provided, multiple submitters, no conflicts (2 of 4 stars). 10 submissions from 10 submitters: Benign (9). 1 of the submissions does not count toward it. Last evaluated 2026-02-03.

Conditions:
Inborn genetic diseases. Identifiers: MedGen C0950123, MeSH D030342.
Pitt-Hopkins-like syndrome 2 (PTHSL2). Identifiers: Orphanet 221150, Orphanet 600663, MedGen C3280479, MONDO:0013690, OMIM 614325.

Allele frequency attached by ClinVar (database versions not stated): ExAC 0.02268; TOPMed 0.02495; gnomAD exomes 0.02514 and 0.01097; 1000 Genomes Project 30x 0.03951; 1000 Genomes Project 0.04233; ESP Exome Variant Server 0.01308; gnomAD 0.01844 and 0.01996.
gnomAD v4.1: 19,123 of 1,613,166 alleles (1.2%); highest among the groups gnomAD compares: East Asian, 16%; 931 homozygotes.

Submissions (10):

Labcorp Genetics (formerly Invitae), Labcorp
Classification: Benign for Pitt-Hopkins-like syndrome 2. Last evaluated: 2026-02-03. Review status: criteria provided, single submitter. Criteria: Invitae Variant Classification Sherloc (09022015). Collection method: clinical testing. Allele origin: germline.

Athena Diagnostics
Classification: Benign. Last evaluated: 2018-11-28. Review status: criteria provided, single submitter. Criteria: Athena Diagnostics Criteria. Collection method: clinical testing. Allele origin: germline.

Mayo Clinic Laboratories, Mayo Clinic
Classification: Benign. Last evaluated: 2018-04-10. Review status: criteria provided, single submitter. Criteria: ACMG Guidelines, 2015. Collection method: clinical testing. Allele origin: germline. Observed: 38 variant alleles.

Illumina Laboratory Services, Illumina
Classification: Benign for Pitt-Hopkins-like syndrome 2. Last evaluated: 2018-01-13. Review status: criteria provided, single submitter. Criteria: ICSL Variant Classification Criteria 13 December 2019. Collection method: clinical testing. Allele origin: germline.
Comment: This variant was observed in the ICSL laboratory as part of a predisposition screen in an ostensibly healthy population. It had not been previously curated by ICSL or reported in the Human Gene Mutation Database (HGMD: prior to June 1st, 2018), and was therefore a candidate for classification through an automated scoring system. Utilizing variant allele frequency, disease prevalence and penetrance estimates, and inheritance mode, an automated score was calculated to assess if this variant is too frequent to cause the disease. Based on the score and internal cut-off values, a variant classified as benign is not then subjected to further curation. The score for this variant resulted in a classification of benign for this disease.

Ambry Genetics
Classification: Benign for Inborn genetic diseases. Last evaluated: 2016-03-14. Review status: criteria provided, single submitter. Criteria: Ambry Variant Classification Scheme 2023. Collection method: clinical testing. Allele origin: germline.

GeneDx
Classification: Benign. Last evaluated: 2015-03-03. Review status: criteria provided, single submitter. Criteria: GeneDx Variant Classification Process June 2021. Collection method: clinical testing. Allele origin: germline. Affected: yes.

Eurofins Ntd Llc (ga)
Classification: Benign. Last evaluated: 2014-03-03. Review status: criteria provided, single submitter. Criteria: EGL Classification Definitions 2015. Collection method: clinical testing. Allele origin: germline. Observed: 1 variant allele, 1 homozygote.

Breakthrough Genomics
Classification: Benign. Review status: criteria provided, single submitter. Criteria: ACMG Guidelines, 2015. Collection method: not provided. Allele origin: germline. Inheritance: Autosomal recessive inheritance. Affected: yes.

PreventionGenetics, part of Exact Sciences
Classification: Benign. Review status: criteria provided, single submitter. Criteria: ACMG Guidelines, 2015. Collection method: clinical testing. Allele origin: germline.

Genetic Services Laboratory, University of Chicago
Classification: Likely benign for AllHighlyPenetrant. Review status: no assertion criteria provided. Collection method: clinical testing. Allele origin: germline. Inheritance: Autosomal recessive inheritance. Not counted in ClinVar's aggregate classification.
Comment: Likely benign based on allele frequency in 1000 Genomes Project or ESP global frequency and its presence in a patient with a rare or unrelated disease phenotype. NOT Sanger confirmed.

Literature cited by the submitters: PubMed 24832020 (cited by Athena Diagnostics).

NM_001330078.2(NRXN1):c.900C>T (p.Pro300=)

Gene: NRXN1 (neurexin 1; minus strand). Cytogenetic location: 2p16.3.
Variant type: single nucleotide variant.
Coding change: c.900C>T on transcript NM_001330078.2 (MANE Select); coding-DNA position 900, C replaced by T.
Protein change: p.Pro300=; no amino-acid change (proline 300 retained).
Molecular consequence: synonymous variant.
Genome position (GRCh38, 1-based): chr2:50,623,548, G>A on the plus strand (C>T on the coding strand, the complement: NRXN1 is on the minus strand). VCF-style: chr2-50623548-G-A. GRCh37 (hg19) VCF-style: chr2-50850686-G-A.
Other names: p.Pro333=; c.999C>T, p.Pro333= (NM_001135659.3); c.900C>T, p.Pro300= (NM_001330077.2, NM_001330082.2, NM_001330085.2 and 3 more transcripts); c.840C>T, p.Pro280= (NM_001330083.2, NM_001330084.2, NM_001330087.2 and 1 more transcripts); c.870C>T, p.Pro290= (NM_001330088.2); c.897C>T, p.Pro299= (NM_001330093.2); c.888C>T, p.Pro296= (NM_001330094.2); c.999C>T (NM_001135659.2).
Identifiers: ClinVar variation 129827 (VCV000129827.31), dbSNP rs2303298, ClinGen allele CA154148.
Genomic context (GRCh38, chr2:50,623,548, plus strand): 5'-CAGTCCATTCCTCTGAAGGGTTTTAAATGACAGAGTTATTTCATCACTGCTGCTTTGAAT[G>A]GGGTTTTGAGACAAGTCGTAGCAGAAGTATTCAGATCCTTTGAACGTGGCAATATATTCT-3'
Protein context (NP_001317007.1, residues 290-310): EYFCYDLSQN[Pro300=]IQSSSDEITL